The following is an entry in ClinVar:

ClinVar aggregate classification (germline): Conflicting classifications of pathogenicity. Review status: criteria provided, conflicting classifications (1 of 4 stars). 9 submissions from 9 submitters: Uncertain significance (6); Likely benign (2). 1 of the submissions does not count toward it. Last evaluated 2026-09-25.

Conditions:
VPS13B-related disorder. Also called: VPS13B-related condition.
Inborn genetic diseases. Identifiers: MedGen C0950123, MeSH D030342.
Cohen syndrome (COH1). Also called: Cutis verticis gyrata, retinitis pigmentosa, and sensorineural deafness; PEPPER SYNDROME. Identifiers: Orphanet 193, MedGen C0265223, MONDO:0008999, OMIM 216550.

Allele frequency attached by ClinVar (database versions not stated): gnomAD exomes 0.00014 and 0.00016; 1000 Genomes Project 30x 0.00016; TOPMed 0.00016; 1000 Genomes Project 0.00020; ExAC 0.00020; ESP Exome Variant Server 0.00023; gnomAD 0.00012 and 0.00013.
gnomAD v4.1: 225 of 1,613,764 alleles (0.014%); highest among the groups gnomAD compares: Middle Eastern, 0.05%; no homozygotes.

Submissions (9):

PreventionGenetics, part of Exact Sciences
Classification: Uncertain significance for VPS13B-related condition. Last evaluated: 2026-09-25. Review status: criteria provided, single submitter. Criteria: ACMG Guidelines, 2015. Collection method: clinical testing. Allele origin: germline.
Comment: The VPS13B c.2470T>G variant is predicted to result in the amino acid substitution p.Ser824Ala. This variant has been reported in the homozygous state in one individual with features of Cohen syndrome (Yu et al. 2013. PubMed ID: 23352163). However, pathogenicity was not clearly established in this study. In a functional study, the VPS13B protein with the p.Ser824Ala substitution behaved similarly to wild-type (Zorn et al. 2022. PubMed ID: 35690661). This variant is reported in 0.031% of alleles in individuals of European (Non-Finnish) descent in gnomAD, including one homozygous individual. Although we suspect that this variant may be benign, at this time, its clinical significance is uncertain due to the absence of conclusive functional and genetic evidence.

GeneDx
Classification: Uncertain significance. Last evaluated: 2026-03-25. Review status: criteria provided, single submitter. Criteria: GeneDx Variant Classification Process June 2021. Collection method: clinical testing. Allele origin: germline.
Comment: In silico analysis suggests that this missense variant does not alter protein structure/function; This variant is associated with the following publications: (PMID: 34426522, 23352163, 35690661)

Labcorp Genetics (formerly Invitae), Labcorp
Classification: Likely benign for Cohen syndrome. Last evaluated: 2026-02-03. Review status: criteria provided, single submitter. Criteria: Invitae Variant Classification Sherloc (09022015). Collection method: clinical testing. Allele origin: germline.

Ambry Genetics
Classification: Uncertain significance for Inborn genetic diseases. Last evaluated: 2025-06-20. Review status: criteria provided, single submitter. Criteria: Ambry Variant Classification Scheme 2023. Collection method: clinical testing. Allele origin: germline.

Blueprint Genetics
Classification: Likely benign. Last evaluated: 2024-11-07. Review status: criteria provided, single submitter. Criteria: ACMG Guidelines, 2015. Collection method: clinical testing. Allele origin: germline.

CeGaT Center for Human Genetics Tuebingen
Classification: Uncertain significance. Last evaluated: 2019-08-01. Review status: criteria provided, single submitter. Criteria: CeGaT Center For Human Genetics Tuebingen Variant Classification Criteria Version 2. Collection method: clinical testing. Allele origin: germline. Affected: yes. Observed: 2 variant alleles.

Illumina Laboratory Services, Illumina
Classification: Uncertain significance for Cohen syndrome. Last evaluated: 2017-09-19. Review status: criteria provided, single submitter. Criteria: ICSL Variant Classification Criteria 13 December 2019. Collection method: clinical testing. Allele origin: germline.
Comment: This variant was observed as part of a predisposition screen in an ostensibly healthy population. A literature search was performed for the gene, cDNA change, and amino acid change (where applicable). Publications were found based on this search. However, the evidence from the literature, in combination with allele frequency data from public databases where available, was not sufficient to rule this variant in or out of causing disease. Therefore, this variant is classified as a variant of unknown significance.

Eurofins Ntd Llc (ga)
Classification: Uncertain significance. Last evaluated: 2014-06-24. Review status: criteria provided, single submitter. Criteria: EGL Classification Definitions 2015. Collection method: clinical testing. Allele origin: germline. Observed: 1 variant allele, 1 heterozygote.

Natera, Inc.
Classification: Likely benign for Cohen syndrome. Last evaluated: 2021-10-12. Review status: no assertion criteria provided. Collection method: clinical testing. Allele origin: germline. Not counted in ClinVar's aggregate classification.

Literature cited by the submitters: PubMed 27380831 (cited by Illumina Laboratory Services, Illumina); PubMed 23352163 (cited by Illumina Laboratory Services, Illumina and Eurofins Ntd Llc (ga)).

NM_152564.5(VPS13B):c.2470T>G (p.Ser824Ala)

Gene: VPS13B (vacuolar protein sorting 13 homolog B; plus strand). Cytogenetic location: 8q22.2.
Variant type: single nucleotide variant.
Coding change: c.2470T>G on transcript NM_152564.5 (MANE Select); coding-DNA position 2470, T replaced by G.
Protein change: p.Ser824Ala; replaces serine 824 with alanine.
Molecular consequence: missense variant.
Genome position (GRCh38, 1-based): chr8:99,193,012, T>G. VCF-style: chr8-99193012-T-G. GRCh37 (hg19) VCF-style: chr8-100205240-T-G.
Other names: c.2470T>G, p.Ser824Ala (NM_015243.3, NM_017890.5); c.2470T>G (NM_017890.3, NM_152564.4); short protein forms S824A.
Identifiers: ClinVar variation 194772 (VCV000194772.68), dbSNP rs149866274, ClinGen allele CA240928.